The following is an entry in ClinVar:

ClinVar aggregate classification (germline): Uncertain significance (1 of 4 stars; one submission).

gnomAD v4.1: 1 of 1,613,538 alleles (0.000062%); highest among the groups gnomAD compares: African/African-American, 0.0013%; no homozygotes.

Submission:

GeneDx
Classification: Uncertain significance. Last evaluated: 2022-02-21. Review status: criteria provided, single submitter. Criteria: GeneDx Variant Classification Process June 2021. Collection method: clinical testing. Allele origin: germline.
Comment: Not observed at significant frequency in large population cohorts (gnomAD); In silico analysis supports that this missense variant has a deleterious effect on protein structure/function; Has not been previously published as pathogenic or benign to our knowledge; Variants in candidate genes are classified as variants of uncertain significance in accordance with ACMG guidelines (Richards et al., 2015)

NM_002332.3(LRP1):c.10666G>A (p.Asp3556Asn)

Gene: LRP1 (LDL receptor related protein 1; plus strand). Cytogenetic location: 12q13.3.
Variant type: single nucleotide variant.
Coding change: c.10666G>A on transcript NM_002332.3 (MANE Select); coding-DNA position 10666, G replaced by A.
Protein change: p.Asp3556Asn; replaces aspartic acid 3556 with asparagine.
Molecular consequence: missense variant.
Genome position (GRCh38, 1-based): chr12:57,202,492, G>A. VCF-style: chr12-57202492-G-A. GRCh37 (hg19) VCF-style: chr12-57596275-G-A.
Other names: short protein forms D3556N.
Identifiers: ClinVar variation 4976453 (VCV004976453.1).